The following is an entry in ClinVar:

ClinVar aggregate classification (germline): Likely benign (1 of 4 stars; one submission).

Allele frequency attached by ClinVar (database versions not stated): gnomAD exomes 0.00001; ESP Exome Variant Server 0.00008.
gnomAD v4.1: 21 of 1,611,054 alleles (0.0013%); highest among the groups gnomAD compares: Admixed American, 0.0017%; no homozygotes.

Submission:

CeGaT Center for Human Genetics Tuebingen
Classification: Likely benign. Last evaluated: 2023-11-01. Review status: criteria provided, single submitter. Criteria: CeGaT Center For Human Genetics Tuebingen Variant Classification Criteria Version 2. Collection method: clinical testing. Allele origin: germline. Affected: yes. Observed: 1 variant allele.
Comment: CAMK2A: BP4, BP7

NM_015981.4(CAMK2A):c.*44A>G

Gene: CAMK2A (calcium/calmodulin dependent protein kinase II alpha; minus strand). Cytogenetic location: 5q32.
Variant type: single nucleotide variant.
Coding change: c.*44A>G on transcript NM_015981.4 (MANE Select); 44 bases downstream of the stop codon, A replaced by G.
Molecular consequence: 3 prime UTR variant.
Genome position (GRCh38, 1-based): chr5:150,222,666, T>C on the plus strand (A>G on the coding strand, the complement: CAMK2A is on the minus strand). VCF-style: chr5-150222666-T-C. GRCh37 (hg19) VCF-style: chr5-149602229-T-C.
Other names: c.*44A>G (NM_001363989.1, NM_001363990.1, NM_171825.3); c.*73A>G (NM_001369025.2).
Identifiers: ClinVar variation 2673034 (VCV002673034.23), dbSNP rs372475680, ClinGen allele CA3509444.